The following is an entry in ClinVar:

NM_001457.4(FLNB):c.3796A>G (p.Ile1266Val)

Gene: FLNB (filamin B; plus strand). Cytogenetic location: 3p14.3.
Variant type: single nucleotide variant.
Coding change: c.3796A>G on transcript NM_001457.4 (MANE Select); coding-DNA position 3796, A replaced by G.
Protein change: p.Ile1266Val; replaces isoleucine 1266 with valine.
Molecular consequence: missense variant.
Genome position (GRCh38, 1-based): chr3:58,124,403, A>G. VCF-style: chr3-58124403-A-G. GRCh37 (hg19) VCF-style: chr3-58110130-A-G.
Other names: c.3796A>G, p.Ile1266Val (NM_001164317.2, NM_001164318.2, NM_001164319.2); short protein forms I1266V.
Identifiers: ClinVar variation 1717132 (VCV001717132.5), dbSNP rs2471127730, ClinGen allele CA353349539.

ClinVar aggregate classification (germline): Uncertain significance (1 of 4 stars; one submission).

Submission:

Labcorp Genetics (formerly Invitae), Labcorp
Classification: Uncertain significance. Last evaluated: 2022-08-20. Review status: criteria provided, single submitter. Criteria: Invitae Variant Classification Sherloc (09022015). Collection method: clinical testing. Allele origin: germline.
Comment: This sequence change replaces isoleucine, which is neutral and non-polar, with valine, which is neutral and non-polar, at codon 1266 of the FLNB protein (p.Ile1266Val). This variant is not present in population databases (gnomAD no frequency). In summary, the available evidence is currently insufficient to determine the role of this variant in disease. Therefore, it has been classified as a Variant of Uncertain Significance. Advanced modeling of protein sequence and biophysical properties (such as structural, functional, and spatial information, amino acid conservation, physicochemical variation, residue mobility, and thermodynamic stability) performed at Invitae indicates that this missense variant is not expected to disrupt FLNB protein function. This variant has not been reported in the literature in individuals affected with FLNB-related conditions.